The following is an entry in ClinVar:

ClinVar aggregate classification (germline): Likely benign (0 of 4 stars; one submission).

Conditions:
PRSS12-related disorder. Also called: PRSS12-related condition.

Allele frequency attached by ClinVar (database versions not stated): TOPMed 0.00009; gnomAD 0.00010; gnomAD exomes 0.00017; ExAC 0.00018; 1000 Genomes Project 30x 0.00047; 1000 Genomes Project 0.00060.
gnomAD v4.1: 254 of 1,614,092 alleles (0.016%); highest among the groups gnomAD compares: East Asian, 0.096%; 1 homozygote.

Submission:

PreventionGenetics, part of Exact Sciences
Classification: Likely benign for PRSS12-related condition. Last evaluated: 2019-04-26. Review status: no assertion criteria provided. Collection method: clinical testing. Allele origin: germline.
Comment: This variant is classified as likely benign based on ACMG/AMP sequence variant interpretation guidelines (Richards et al. 2015 PMID: 25741868, with internal and published modifications).

NM_003619.4(PRSS12):c.1356C>T (p.Asp452=)

Gene: PRSS12 (serine protease 12; minus strand). Cytogenetic location: 4q26.
Variant type: single nucleotide variant.
Coding change: c.1356C>T on transcript NM_003619.4 (MANE Select); coding-DNA position 1356, C replaced by T.
Protein change: p.Asp452=; no amino-acid change (aspartic acid 452 retained).
Molecular consequence: synonymous variant.
Genome position (GRCh38, 1-based): chr4:118,313,334, G>A on the plus strand (C>T on the coding strand, the complement: PRSS12 is on the minus strand). VCF-style: chr4-118313334-G-A. GRCh37 (hg19) VCF-style: chr4-119234489-G-A.
Identifiers: ClinVar variation 3058694 (VCV003058694.2), dbSNP rs188253418, ClinGen allele CA3055660.